The following is an entry in ClinVar:

NM_005157.6(ABL1):c.439G>A (p.Gly147Ser)

Gene: ABL1 (ABL proto-oncogene 1, non-receptor tyrosine kinase; plus strand). Cytogenetic location: 9q34.12.
Variant type: single nucleotide variant.
Coding change: c.439G>A on transcript NM_005157.6 (MANE Select); coding-DNA position 439, G replaced by A.
Protein change: p.Gly147Ser; replaces glycine 147 with serine.
Molecular consequence: missense variant.
Genome position (GRCh38, 1-based): chr9:130,854,986, G>A. VCF-style: chr9-130854986-G-A. GRCh37 (hg19) VCF-style: chr9-133730373-G-A.
Other names: c.496G>A, p.Gly166Ser (NM_007313.3); short protein forms G147S, G166S.
Identifiers: ClinVar variation 3716403 (VCV003716403.2).

ClinVar aggregate classification (germline): Uncertain significance (1 of 4 stars; one submission).

Submission:

Labcorp Genetics (formerly Invitae), Labcorp
Classification: Uncertain significance. Last evaluated: 2024-12-24. Review status: criteria provided, single submitter. Criteria: Invitae Variant Classification Sherloc (09022015). Collection method: clinical testing. Allele origin: germline.
Comment: This sequence change replaces glycine, which is neutral and non-polar, with serine, which is neutral and polar, at codon 166 of the ABL1 protein (p.Gly166Ser). This variant is not present in population databases (gnomAD no frequency). This variant has not been reported in the literature in individuals affected with ABL1-related conditions. Invitae Evidence Modeling of protein sequence and biophysical properties (such as structural, functional, and spatial information, amino acid conservation, physicochemical variation, residue mobility, and thermodynamic stability) has been performed for this missense variant. However, the output from this modeling did not meet the statistical confidence thresholds required to predict the impact of this variant on ABL1 protein function. In summary, the available evidence is currently insufficient to determine the role of this variant in disease. Therefore, it has been classified as a Variant of Uncertain Significance.